The following is an entry in ClinVar:

ClinVar aggregate classification (germline): Benign/Likely benign. Review status: criteria provided, multiple submitters, no conflicts (2 of 4 stars). 3 submissions from 3 submitters: Benign (1); Likely benign (2). Last evaluated 2026-01-19.

Conditions:
Hereditary cancer-predisposing syndrome. Also called: Neoplastic Syndromes, Hereditary; Hereditary neoplastic syndrome; Hereditary Cancer Syndrome; Tumor predisposition. Identifiers: Orphanet 140162, MedGen C0027672, MeSH D009386, MONDO:0015356.
Gastrointestinal stromal tumor. Also called: Gastrointestinal stromal tumor, somatic; Gastrointestinal stroma tumor. Identifiers: Orphanet 44890, MedGen C0238198, MeSH D046152, MONDO:0011719, OMIM 606764, HP:0100723.
Pheochromocytoma/paraganglioma syndrome 3. Also called: Paragangliomas 3; SDHC-Related Hereditary Paraganglioma-Pheochromocytoma Syndrome (Paragangliomas 3); SDHC-Related Hereditary Paraganglioma-Pheochromocytoma Syndrome; GLOMUS TUMORS, FAMILIAL, 3. Identifiers: Orphanet 29072, MedGen C1854336, MONDO:0011544, OMIM 605373.

Allele frequency attached by ClinVar (database versions not stated): gnomAD exomes below 0.00001; TOPMed 0.00001.
gnomAD v4.1: 5 of 1,609,116 alleles (0.00031%); highest among the groups gnomAD compares: African/African-American, 0.0013%; no homozygotes.

Submissions (3):

Labcorp Genetics (formerly Invitae), Labcorp
Classification: Likely benign for Pheochromocytoma/paraganglioma syndrome 3; Gastrointestinal stromal tumor. Last evaluated: 2026-01-19. Review status: criteria provided, single submitter. Criteria: Invitae Variant Classification Sherloc (09022015). Collection method: clinical testing. Allele origin: germline.

Myriad Genetics, Inc.
Classification: Benign for Pheochromocytoma/paraganglioma syndrome 3. Last evaluated: 2025-03-14. Review status: criteria provided, single submitter. Criteria: Myriad Autosomal Dominant, Autosomal Recessive and X-Linked Classification Criteria (2023). Collection method: clinical testing. Allele origin: unknown.
Comment: This variant is considered benign. This variant is a silent/synonymous amino acid change and it is not expected to impact splicing.

Ambry Genetics
Classification: Likely benign for Hereditary cancer-predisposing syndrome. Last evaluated: 2015-05-03. Review status: criteria provided, single submitter. Criteria: Ambry Variant Classification Scheme 2023. Collection method: clinical testing. Allele origin: germline.

NM_003001.5(SDHC):c.81T>C (p.Ala27=)

Gene: SDHC (succinate dehydrogenase complex subunit C; plus strand). Cytogenetic location: 1q23.3.
Variant type: single nucleotide variant.
Coding change: c.81T>C on transcript NM_003001.5 (MANE Select); coding-DNA position 81, T replaced by C.
Protein change: p.Ala27=; no amino-acid change (alanine 27 retained).
Molecular consequence: synonymous variant. On other transcripts: 5 prime UTR variant (2), non-coding transcript variant (1), intron variant (4).
Genome position (GRCh38, 1-based): chr1:161,328,399, T>C. VCF-style: chr1-161328399-T-C. GRCh37 (hg19) VCF-style: chr1-161298189-T-C.
Other names: c.81T>C, p.Ala27= (NM_001035511.3, NM_001407115.1); c.24T>C, p.Ala8= (NM_001407116.1, NM_001407117.1, NM_001407121.1); c.-31T>C (NM_001407119.1, NM_001407120.1); c.77+4729T>C (NM_001035512.3, NM_001278172.3, NM_001407118.1); c.21-12195T>C (NM_001035513.3).
Identifiers: ClinVar variation 231683 (VCV000231683.18), dbSNP rs876659297, ClinGen allele CA10577664.